The following is an entry in ClinVar:

ClinVar aggregate classification (germline): Uncertain significance. Review status: criteria provided, multiple submitters, no conflicts (2 of 4 stars). 3 submissions from 3 submitters: Uncertain significance (3). Last evaluated 2025-03-28.

Conditions:
Inborn genetic diseases. Identifiers: MedGen C0950123, MeSH D030342.
Familial cold autoinflammatory syndrome 2 (FCAS2). Identifiers: Orphanet 247868, MedGen C2673198, MONDO:0012724, OMIM 611762.

Allele frequency attached by ClinVar (database versions not stated): TOPMed 0.00001.
gnomAD v4.1: 6 of 1,611,878 alleles (0.00037%); highest among the groups gnomAD compares: Non-Finnish European, 0.00051%; no homozygotes.

Submissions (3):

Ambry Genetics
Classification: Uncertain significance for Inborn genetic diseases. Last evaluated: 2025-03-28. Review status: criteria provided, single submitter. Criteria: Ambry Variant Classification Scheme 2023. Collection method: clinical testing. Allele origin: germline.

Labcorp Genetics (formerly Invitae), Labcorp
Classification: Uncertain significance for Familial cold autoinflammatory syndrome 2. Last evaluated: 2023-06-23. Review status: criteria provided, single submitter. Criteria: Invitae Variant Classification Sherloc (09022015). Collection method: clinical testing. Allele origin: germline.
Comment: This sequence change replaces alanine, which is neutral and non-polar, with glutamic acid, which is acidic and polar, at codon 684 of the NLRP12 protein (p.Ala684Glu). This variant is not present in population databases (gnomAD no frequency). This variant has not been reported in the literature in individuals affected with NLRP12-related conditions. ClinVar contains an entry for this variant (Variation ID: 623963). An algorithm developed to predict the effect of missense changes on protein structure and function (PolyPhen-2) suggests that this variant is likely to be tolerated. In summary, the available evidence is currently insufficient to determine the role of this variant in disease. Therefore, it has been classified as a Variant of Uncertain Significance.

CeGaT Center for Human Genetics Tuebingen
Classification: Uncertain significance. Last evaluated: 2018-04-01. Review status: criteria provided, single submitter. Criteria: CeGaT Center For Human Genetics Tuebingen Variant Classification Criteria Version 2. Collection method: clinical testing. Allele origin: germline. Affected: yes. Observed: 1 variant allele.

NM_144687.4(NLRP12):c.2051C>A (p.Ala684Glu)

Gene: NLRP12 (NLR family pyrin domain containing 12; minus strand). Cytogenetic location: 19q13.42.
Variant type: single nucleotide variant.
Coding change: c.2051C>A on transcript NM_144687.4 (MANE Select); coding-DNA position 2051, C replaced by A.
Protein change: p.Ala684Glu; replaces alanine 684 with glutamic acid.
Molecular consequence: missense variant.
Genome position (GRCh38, 1-based): chr19:53,809,608, G>T on the plus strand (C>A on the coding strand, the complement: NLRP12 is on the minus strand). VCF-style: chr19-53809608-G-T. GRCh37 (hg19) VCF-style: chr19-54312862-G-T.
Other names: c.2051C>A (NM_144687.2); c.2051C>A, p.Ala684Glu (NM_001277126.2, NM_001277129.1); short protein forms A684E.
Identifiers: ClinVar variation 623963 (VCV000623963.48), dbSNP rs753678830, ClinGen allele CA407411523.